The following is an entry in ClinVar:

ClinVar aggregate classification (germline): Uncertain significance. Review status: criteria provided, multiple submitters, no conflicts (2 of 4 stars). 4 submissions from 4 submitters: Uncertain significance (4). Last evaluated 2025-01-03.

Conditions:
NLRP3-related disorder. Also called: NLRP3-related condition; NLRP3-Related Disorders.
Keratitis fugax hereditaria. Also called: KERATOENDOTHELIITIS FUGAX HEREDITARIA. Identifiers: Orphanet 647815, MedGen C1835697, MONDO:0007849, OMIM 148200.
Familial amyloid nephropathy with urticaria AND deafness (MWS). Also called: MUCKLE-WELLS SYNDROME; Urticaria, deafness and amyloidosis; CRYOPYRIN-ASSOCIATED PERIODIC SYNDROME 2; UDA SYNDROME; URTICARIA-DEAFNESS-AMYLOIDOSIS SYNDROME. Identifiers: Orphanet 575, MedGen C0268390, MONDO:0008633, OMIM 191900.
Familial cold autoinflammatory syndrome 1 (FCAS1). Also called: CRYOPYRIN-ASSOCIATED PERIODIC SYNDROME 1; Familial cold inflammatory syndrome 1. Identifiers: Orphanet 47045, MedGen C4551895, MONDO:0007349, OMIM 120100.
Chronic infantile neurological, cutaneous and articular syndrome (CINCA). Also called: CINCA syndrome; CHRONIC NEUROLOGIC CUTANEOUS AND ARTICULAR SYNDROME; Prieur Griscelli syndrome; CRYOPYRIN-ASSOCIATED PERIODIC SYNDROME 3. Identifiers: Orphanet 1451, MedGen C0409818, MONDO:0011776, OMIM 607115.
Hearing loss, autosomal dominant 34, with or without inflammation. Also called: DEAFNESS, AUTOSOMAL DOMINANT 34, WITH OR WITHOUT INFLAMMATION. Identifiers: MedGen C4521680, MONDO:0033261, OMIM 617772.
Cryopyrin associated periodic syndrome (CAPS). Identifiers: Orphanet 208650, MedGen C2316212, MONDO:0016168.

Allele frequency attached by ClinVar (database versions not stated): TOPMed below 0.00001; gnomAD 0.00001.
gnomAD v4.1: 3 of 1,613,986 alleles (0.00019%); highest among the groups gnomAD compares: East Asian, 0.0022%; no homozygotes.

Submissions (4):

GeneDx
Classification: Uncertain significance. Last evaluated: 2025-01-03. Review status: criteria provided, single submitter. Criteria: GeneDx Variant Classification Process June 2021. Collection method: clinical testing. Allele origin: germline. Affected: yes.
Comment: Identified in a parent and child of a family with gradually progressive sensorineural hearing loss and classified as a variant of uncertain significance in published literature (PMID: 33020839); Nonsense variant predicted to result in protein truncation or nonsense mediated decay in a gene or region of a gene for which loss of function is not a well-established mechanism of disease; Not observed at significant frequency in large population cohorts (gnomAD); Also known as R918*; This variant is associated with the following publications: (PMID: 33020839)

Fulgent Genetics
Classification: Uncertain significance for Familial cold autoinflammatory syndrome 1; Keratitis fugax hereditaria; Familial amyloid nephropathy with urticaria AND deafness; Chronic infantile neurological, cutaneous and articular syndrome; Hearing loss, autosomal dominant 34, with or without inflammation. Last evaluated: 2024-05-17. Review status: criteria provided, single submitter. Criteria: ACMG Guidelines, 2015. Collection method: clinical testing. Allele origin: germline.

Labcorp Genetics (formerly Invitae), Labcorp
Classification: Uncertain significance for Cryopyrin associated periodic syndrome. Last evaluated: 2024-03-09. Review status: criteria provided, single submitter. Criteria: Invitae Variant Classification Sherloc (09022015). Collection method: clinical testing. Allele origin: germline.
Comment: This sequence change creates a premature translational stop signal (p.Arg920*) in the NLRP3 gene. It is expected to result in an absent or disrupted protein product. However, the current clinical and genetic evidence is not sufficient to establish whether loss-of-function variants in NLRP3 cause disease. This variant is not present in population databases (gnomAD no frequency). This premature translational stop signal has been observed in individual(s) with deafness (PMID: 33020839). This variant is also known as c.2752C>T (p.R918X). ClinVar contains an entry for this variant (Variation ID: 2636210). Algorithms developed to predict the effect of sequence changes on RNA splicing suggest that this variant may disrupt the consensus splice site. In summary, the available evidence is currently insufficient to determine the role of this variant in disease. Therefore, it has been classified as a Variant of Uncertain Significance.

PreventionGenetics, part of Exact Sciences
Classification: Uncertain significance for NLRP3-related condition. Last evaluated: 2022-08-26. Review status: criteria provided, single submitter. Criteria: ACMG Guidelines, 2015. Collection method: clinical testing. Allele origin: germline.
Comment: The NLRP3 c.2758C>T variant is predicted to result in premature protein termination (p.Arg920*). This variant has been reported in an individual with Hearing loss, non-syndromic (Kim et al. 2020. PubMed ID: 33020839). This variant has not been reported in a large population database, indicating this variant is rare. Although we suspect that this variant may be pathogenic, at this time, the clinical significance of this variant is uncertain due to the absence of conclusive functional and genetic evidence.

Literature cited by the submitters: PubMed 33020839 (cited by Labcorp Genetics (formerly Invitae), Labcorp).

NM_001243133.2(NLRP3):c.2752C>T (p.Arg918Ter)

Gene: NLRP3 (NLR family pyrin domain containing 3; plus strand). Cytogenetic location: 1q44.
Variant type: single nucleotide variant.
Coding change: c.2752C>T on transcript NM_001243133.2 (MANE Select); coding-DNA position 2752, C replaced by T.
Protein change: p.Arg918Ter; replaces arginine 918 with a stop codon.
Molecular consequence: nonsense.
Genome position (GRCh38, 1-based): chr1:247,444,060, C>T. VCF-style: chr1-247444060-C-T. GRCh37 (hg19) VCF-style: chr1-247607362-C-T.
Other names: c.2752C>T, p.Arg918Ter (NM_001079821.3); c.2581C>T, p.Arg861Ter (NM_001127461.3, NM_001127462.3); c.2758C>T, p.Arg920Ter (NM_004895.5); c.2410C>T, p.Arg804Ter (NM_183395.3); short protein forms R804*, R861*, R918*, R920*.
Identifiers: ClinVar variation 2636210 (VCV002636210.5), dbSNP rs1386781990, ClinGen allele CA345565084.